The following is an entry in ClinVar:

ClinVar aggregate classification (germline): Pathogenic (1 of 4 stars; one submission).

Submission:

Labcorp Genetics (formerly Invitae), Labcorp
Classification: Pathogenic. Last evaluated: 2023-03-31. Review status: criteria provided, single submitter. Criteria: Invitae Variant Classification Sherloc (09022015). Collection method: clinical testing. Allele origin: germline.
Comment: For these reasons, this variant has been classified as Pathogenic. This variant has not been reported in the literature in individuals affected with TET2-related conditions. This variant is not present in population databases (gnomAD no frequency). This sequence change creates a premature translational stop signal (p.Asp1425Argfs*3) in the TET2 gene. It is expected to result in an absent or disrupted protein product. Loss-of-function variants in TET2 are known to be pathogenic (PMID: 36066697).

Literature cited by the submitters: PubMed 36066697.

NM_001127208.3(TET2):c.4272_4273del (p.Asp1425fs)

Genes: TET2 (tet methylcytosine dioxygenase 2; plus strand), TET2-AS1 (TET2 antisense RNA 1; minus strand). Cytogenetic location: 4q24.
Variant type: Deletion.
Coding change: c.4272_4273del on transcript NM_001127208.3 (MANE Select); coding-DNA positions 4272 to 4273, 2 bases deleted (TG; older notation c.4272_4273delTG).
Protein change: p.Asp1425fs; shifts the reading frame from aspartic acid 1425.
Molecular consequence: frameshift variant.
Genome position (GRCh38, 1-based): chr4:105,272,653-105,272,654, TG deleted. VCF-style (leftmost placement, unchanged base first): chr4-105272652-CTG-C. GRCh37 (hg19) VCF-style: chr4-106193809-CTG-C.
Other names: short protein forms D1425fs.
Identifiers: ClinVar variation 2851268 (VCV002851268.3), dbSNP rs2476722357, ClinGen allele CA2739270219.